The following is an entry in ClinVar:

ClinVar aggregate classification (germline): Uncertain significance (1 of 4 stars; one submission).

gnomAD v4.1: 6 of 1,613,406 alleles (0.00037%); highest among the groups gnomAD compares: Non-Finnish European, 0.00051%; no homozygotes.

Submission:

Labcorp Genetics (formerly Invitae), Labcorp
Classification: Uncertain significance. Last evaluated: 2024-09-20. Review status: criteria provided, single submitter. Criteria: Invitae Variant Classification Sherloc (09022015). Collection method: clinical testing. Allele origin: germline.
Comment: This sequence change replaces glutamic acid, which is acidic and polar, with aspartic acid, which is acidic and polar, at codon 24 of the TNNT3 protein (p.Glu24Asp). This variant is present in population databases (rs749218287, gnomAD 0.0009%). This variant has not been reported in the literature in individuals affected with TNNT3-related conditions. Experimental studies and prediction algorithms are not available or were not evaluated, and the functional significance of this variant is currently unknown. In summary, the available evidence is currently insufficient to determine the role of this variant in disease. Therefore, it has been classified as a Variant of Uncertain Significance.

NM_006757.4(TNNT3):c.72A>C (p.Glu24Asp)

Gene: TNNT3 (troponin T3, fast skeletal type; plus strand). Cytogenetic location: 11p15.5.
Variant type: single nucleotide variant.
Coding change: c.72A>C on transcript NM_006757.4 (MANE Select); coding-DNA position 72, A replaced by C.
Protein change: p.Glu24Asp; replaces glutamic acid 24 with aspartic acid.
Molecular consequence: missense variant. On other transcripts: intron variant (8).
Genome position (GRCh38, 1-based): chr11:1,926,699, A>C. VCF-style: chr11-1926699-A-C. GRCh37 (hg19) VCF-style: chr11-1947929-A-C.
Other names: c.72A>C, p.Glu24Asp (NM_001042780.3, NM_001042782.3, NM_001297646.2 and 1 more transcripts); c.105A>C, p.Glu35Asp (NM_001363561.2, NM_001367846.1, NM_001367847.1); c.93A>C, p.Glu31Asp (NM_001367848.1); c.100+218A>C (NM_001042781.3, NM_001367843.1, NM_001367842.1); c.82+218A>C (NM_001367845.1); c.50-3111A>C (NM_001367850.1); c.-98-3111A>C (NM_001367851.1); c.70+1423A>C (NM_001367849.1); and 1 more; short protein forms E35D, E24D, E31D.
Identifiers: ClinVar variation 3714365 (VCV003714365.2).